The following is an entry in ClinVar:

NM_001242680.2(ZNF729):c.2691A>G (p.Val897=)

Gene: ZNF729 (zinc finger protein 729; plus strand). Cytogenetic location: 19p12.
Variant type: single nucleotide variant.
Coding change: c.2691A>G on transcript NM_001242680.2 (MANE Select); coding-DNA position 2691, A replaced by G.
Protein change: p.Val897=; no amino-acid change (valine 897 retained).
Molecular consequence: synonymous variant.
Genome position (GRCh38, 1-based): chr19:22,316,108, A>G. VCF-style: chr19-22316108-A-G. GRCh37 (hg19) VCF-style: chr19-22498910-A-G.
Identifiers: ClinVar variation 2649646 (VCV002649646.24), dbSNP rs747042713, ClinGen allele CA9344003.

ClinVar aggregate classification (germline): Likely benign (1 of 4 stars; one submission).

Allele frequency attached by ClinVar (database versions not stated): gnomAD exomes 0.00006; ExAC 0.00008; TOPMed 0.00029; gnomAD 0.00031.
gnomAD v4.1: 138 of 1,609,366 alleles (0.0086%); highest among the groups gnomAD compares: African/African-American, 0.11%; 1 homozygote.

Submission:

CeGaT Center for Human Genetics Tuebingen
Classification: Likely benign. Last evaluated: 2022-10-01. Review status: criteria provided, single submitter. Criteria: CeGaT Center For Human Genetics Tuebingen Variant Classification Criteria Version 2. Collection method: clinical testing. Allele origin: germline. Affected: yes. Observed: 1 variant allele.
Comment: ZNF729: BP4, BP7